The following is an entry in ClinVar:

NM_000093.5(COL5A1):c.827A>G (p.Glu276Gly)

Gene: COL5A1 (collagen type V alpha 1 chain; plus strand). Cytogenetic location: 9q34.3.
Variant type: single nucleotide variant.
Coding change: c.827A>G on transcript NM_000093.5 (MANE Select); coding-DNA position 827, A replaced by G.
Protein change: p.Glu276Gly; replaces glutamic acid 276 with glycine.
Molecular consequence: missense variant.
Genome position (GRCh38, 1-based): chr9:134,728,710, A>G. VCF-style: chr9-134728710-A-G. GRCh37 (hg19) VCF-style: chr9-137620556-A-G.
Other names: c.827A>G, p.Glu276Gly (NM_001278074.1); short protein forms E276G.
Identifiers: ClinVar variation 3345030 (VCV003345030.2).
Genomic context (GRCh38, chr9:134,728,710, plus strand): 5'-GGGCCGCAATTCGCTTTCAGTACACGGAAGGAGACGGCGAGGGTGAGACCTATTACTACG[A>G]ATACCCCTACTACGAAGACCCCGAAGACCTAGGGAAGGAGCCCACCCCCAGCAAGAAGCC-3'
Protein context (NP_000084.3, residues 266-286): GDGEGETYYY[Glu276Gly]YPYYEDPEDL

ClinVar aggregate classification (germline): Uncertain significance. Review status: criteria provided, single submitter (1 of 4 stars). 2 submissions from 2 submitters: Uncertain significance (1). 1 of the submissions does not count toward it. Last evaluated 2020-11-04.

Conditions:
COL5A1-related disorder. Also called: COL5A1-related condition.

Submissions (2):

Blueprint Genetics
Classification: Uncertain significance. Last evaluated: 2020-11-04. Review status: criteria provided, single submitter. Criteria: ACMG Guidelines, 2015. Collection method: clinical testing. Allele origin: germline.

PreventionGenetics, part of Exact Sciences
Classification: Uncertain significance for COL5A1-related condition. Last evaluated: 2024-06-05. Review status: no assertion criteria provided. Collection method: clinical testing. Allele origin: germline. Not counted in ClinVar's aggregate classification.
Comment: The COL5A1 c.827A>G variant is predicted to result in the amino acid substitution p.Glu276Gly. To our knowledge, this variant has not been reported in the literature or in a large population database, indicating this variant is rare. At this time, the clinical significance of this variant is uncertain due to the absence of conclusive functional and genetic evidence.